The following is an entry in ClinVar:

ClinVar aggregate classification (germline): Uncertain significance (1 of 4 stars; one submission).

Conditions:
Combined immunodeficiency with skin granulomas. Identifiers: Orphanet 157949, MedGen C2673536, MONDO:0009306, OMIM 233650.
Severe combined immunodeficiency, autosomal recessive, T cell-negative, B cell-negative, NK cell-positive. Also called: SCID, AR, T-cell negative, B-cell negative, NK cell-positive; Severe combined immunodeficiency due to complete RAG1/2 deficiency; SCID, T CELL-NEGATIVE, B CELL-NEGATIVE, NK CELL-POSITIVE. Identifiers: Orphanet 331206, MedGen C1832322, MONDO:0011086, OMIM 601457.

gnomAD v4.1: 1 of 1,614,232 alleles (0.000062%); highest among the groups gnomAD compares: Non-Finnish European, 0.000085%; no homozygotes.

Submission:

Labcorp Genetics (formerly Invitae), Labcorp
Classification: Uncertain significance for Combined immunodeficiency with skin granulomas; Severe combined immunodeficiency, autosomal recessive, T cell-negative, B cell-negative, NK cell-positive. Last evaluated: 2022-04-09. Review status: criteria provided, single submitter. Criteria: Invitae Variant Classification Sherloc (09022015). Collection method: clinical testing. Allele origin: germline.
Comment: This sequence change replaces methionine, which is neutral and non-polar, with valine, which is neutral and non-polar, at codon 661 of the RAG1 protein (p.Met661Val). This variant is not present in population databases (gnomAD no frequency). This variant has not been reported in the literature in individuals affected with RAG1-related conditions. Advanced modeling of protein sequence and biophysical properties (such as structural, functional, and spatial information, amino acid conservation, physicochemical variation, residue mobility, and thermodynamic stability) performed at Invitae indicates that this missense variant is expected to disrupt RAG1 protein function. In summary, the available evidence is currently insufficient to determine the role of this variant in disease. Therefore, it has been classified as a Variant of Uncertain Significance.

NM_000448.3(RAG1):c.1981A>G (p.Met661Val)

Gene: RAG1 (recombination activating 1; plus strand). Cytogenetic location: 11p12.
Variant type: single nucleotide variant.
Coding change: c.1981A>G on transcript NM_000448.3 (MANE Select); coding-DNA position 1981, A replaced by G.
Protein change: p.Met661Val; replaces methionine 661 with valine.
Molecular consequence: missense variant.
Genome position (GRCh38, 1-based): chr11:36,575,285, A>G. VCF-style: chr11-36575285-A-G. GRCh37 (hg19) VCF-style: chr11-36596835-A-G.
Other names: c.1981A>G, p.Met661Val (NM_001377277.1, NM_001377278.1, NM_001377279.1 and 1 more transcripts); short protein forms M661V.
Identifiers: ClinVar variation 2155775 (VCV002155775.1), dbSNP rs2494758377, ClinGen allele CA380153733.
Genomic context (GRCh38, chr11:36,575,285, plus strand): 5'-GTGAAAGTATTTGAAGAAGCCAAACCTAACTCTGAACTGTGTTGCAAGCCATTGTGCCTT[A>G]TGCTGGCAGATGAGTCTGACCACGAGACGCTGACTGCCATCCTGAGTCCTCTCATTGCTG-3'
Protein context (NP_000439.2, residues 651-671): SELCCKPLCL[Met661Val]LADESDHETL